The following is an entry in ClinVar:

NM_001267550.2(TTN):c.17697dup (p.Asp5900Ter)

Gene: TTN (titin; minus strand). Cytogenetic location: 2q31.2.
Variant type: Duplication.
Coding change: c.17697dup on transcript NM_001267550.2 (MANE Select); coding-DNA position 17697, one base duplicated (T; older notation c.17697dupT).
Protein change: p.Asp5900Ter; replaces aspartic acid 5900 with a stop codon.
Molecular consequence: nonsense. On other transcripts: intron variant (3).
Genome position (GRCh38, 1-based): chr2:178,730,968, A duplicated on the plus strand (T on the coding strand, the reverse complement: TTN is on the minus strand). VCF-style (leftmost placement, unchanged base first): chr2-178730967-C-CA. GRCh37 (hg19) VCF-style: chr2-179595694-C-CA.
Other names: c.17697dupT (NM_001267550.1); c.16746dup, p.Asp5583Ter (NM_001256850.1); c.13965dup, p.Asp4656Ter (NM_133378.4); c.13282+7114dup (NM_003319.4); c.13858+7114dup (NM_133437.4); c.13657+7114dup (NM_133432.3); short protein forms D4656*, D5583*, D5900*.
Identifiers: ClinVar variation 3758749 (VCV003758749.3).

ClinVar aggregate classification (germline): Likely pathogenic. Review status: criteria provided, multiple submitters, no conflicts (2 of 4 stars). 2 submissions from 2 submitters: Likely pathogenic (2). Last evaluated 2025-04-17.

Conditions:
Dilated cardiomyopathy 1G (CMD1G). Identifiers: Orphanet 154, MedGen C1858763, MONDO:0011400, OMIM 604145.
Autosomal recessive limb-girdle muscular dystrophy type 2J (LGMDR10). Also called: Limb-girdle muscular dystrophy, type 2J; MUSCULAR DYSTROPHY, LIMB-GIRDLE, AUTOSOMAL RECESSIVE 10. Identifiers: Orphanet 140922, MedGen C1837342, MONDO:0012127, OMIM 608807.
Cardiovascular phenotype. Identifiers: MedGen CN230736.

Submissions (2):

Ambry Genetics
Classification: Likely pathogenic for Cardiovascular phenotype. Last evaluated: 2025-04-17. Review status: criteria provided, single submitter. Criteria: Ambry Variant Classification Scheme 2023. Collection method: clinical testing. Allele origin: germline.
Comment: The c.17697dupT (p.D5900*) alteration, located in exon 60 (coding exon 59) of the TTN gene, consists of a duplication of T at position 17697, causing a translational frameshift with a predicted alternate stop codon after amino acids. This alteration is expected to result in loss of function by premature protein truncation or nonsense-mediated mRNA decay. ; however, its clinical significance for autosomal dominant TTN-related dilated cardiomyopathy is uncertain. This variant was not reported in population-based cohorts in the Genome Aggregation Database (gnomAD). This variant has been identified in the homozygous state and/or in conjunction with other TTN variant(s) in individual(s) with features consistent with TTN-related myopathy (Ambry internal data). This exon is located in the I-band region of the N2-A isoform of the titin protein and is incorporated into a high proportion (percent splice in or PSI >90%) of TTN transcripts expressed in skeletal muscle (Di Feo, 2024). Based on the available evidence, this alteration is classified as likely pathogenic.

Labcorp Genetics (formerly Invitae), Labcorp
Classification: Likely pathogenic for Dilated cardiomyopathy 1G; Autosomal recessive limb-girdle muscular dystrophy type 2J. Last evaluated: 2024-09-12. Review status: criteria provided, single submitter. Criteria: Invitae Variant Classification Sherloc (09022015). Collection method: clinical testing. Allele origin: germline.
Comment: This sequence change creates a premature translational stop signal (p.Asp5900*) in the TTN gene. While this is not anticipated to result in nonsense mediated decay, it is expected to create a truncated TTN protein. This variant is not present in population databases (gnomAD no frequency). This variant has not been reported in the literature in individuals affected with TTN-related conditions. Algorithms developed to predict the effect of sequence changes on RNA splicing suggest that this variant may disrupt the consensus splice site. This variant is located in the I band of TTN (PMID: 25589632). Truncating variants in this region have been reported in individuals affected with autosomal recessive centronuclear myopathy (PMID: 23975875, internal data). Truncating variants in this region have also been identified in individuals affected with autosomal dominant dilated cardiomyopathy and/or cardio-related conditions (PMID: 27869827, 32964742, internal data). In summary, the currently available evidence indicates that the variant is pathogenic, but additional data are needed to prove that conclusively. Therefore, this variant has been classified as Likely Pathogenic.

Literature cited by the submitters: PubMed 39198997 (cited by Ambry Genetics); PubMed 25589632 (cited by Labcorp Genetics (formerly Invitae), Labcorp); PubMed 23975875 (cited by Labcorp Genetics (formerly Invitae), Labcorp); PubMed 27869827 (cited by Labcorp Genetics (formerly Invitae), Labcorp); PubMed 32964742 (cited by Labcorp Genetics (formerly Invitae), Labcorp).